The following is an entry in ClinVar:

ClinVar aggregate classification (germline): Pathogenic. Review status: criteria provided, multiple submitters, no conflicts (2 of 4 stars). 2 submissions from 2 submitters: Pathogenic (2). Last evaluated 2021-07-26.

Conditions:
Hereditary cancer-predisposing syndrome. Also called: Tumor predisposition; Neoplastic Syndromes, Hereditary; Hereditary Cancer Syndrome; Hereditary neoplastic syndrome. Identifiers: Orphanet 140162, MedGen C0027672, MeSH D009386, MONDO:0015356.
Juvenile polyposis syndrome (JPS). Identifiers: Orphanet 2929, MedGen C0345893, MONDO:0017380, OMIM 174900.

Submissions (2):

Labcorp Genetics (formerly Invitae), Labcorp
Classification: Pathogenic for Juvenile polyposis syndrome. Last evaluated: 2021-07-26. Review status: criteria provided, single submitter. Criteria: Invitae Variant Classification Sherloc (09022015). Collection method: clinical testing. Allele origin: germline.
Comment: For these reasons, this variant has been classified as Pathogenic. This variant has not been reported in the literature in individuals with BMPR1A-related conditions. ClinVar contains an entry for this variant (Variation ID: 486804). This variant is not present in population databases (ExAC no frequency). This sequence change creates a premature translational stop signal (p.Tyr5*) in the BMPR1A gene. It is expected to result in an absent or disrupted protein product. Loss-of-function variants in BMPR1A are known to be pathogenic (PMID: 11536076, 12417513).

Ambry Genetics
Classification: Pathogenic for Hereditary cancer-predisposing syndrome. Last evaluated: 2016-04-13. Review status: criteria provided, single submitter. Criteria: Ambry Variant Classification Scheme 2023. Collection method: clinical testing. Allele origin: germline.
Comment: The p.Y5* pathogenic mutation (also known as c.15C>A), located in coding exon 1 of the BMPR1A gene, results from a C to A substitution at nucleotide position 15. This changes the amino acid from a tyrosine to a stop codon within coding exon 1. Since premature stop codons are typically deleterious in nature, this alteration is interpreted as a disease-causing mutation (ACMG Recommendations for Standards for Interpretation and Reporting of Sequence Variations. Revision 2007. Genet Med. 2008;10:294).

Literature cited by the submitters: PubMed 11536076 (cited by Labcorp Genetics (formerly Invitae), Labcorp); PubMed 12417513 (cited by Labcorp Genetics (formerly Invitae), Labcorp).

NM_004329.3(BMPR1A):c.15C>A (p.Tyr5Ter)

Gene: BMPR1A (bone morphogenetic protein receptor type 1A; plus strand). Cytogenetic location: 10q23.2.
Variant type: single nucleotide variant.
Coding change: c.15C>A on transcript NM_004329.3 (MANE Select); coding-DNA position 15, C replaced by A.
Protein change: p.Tyr5Ter; replaces tyrosine 5 with a stop codon.
Molecular consequence: nonsense.
Genome position (GRCh38, 1-based): chr10:86,876,033, C>A. VCF-style: chr10-86876033-C-A. GRCh37 (hg19) VCF-style: chr10-88635790-C-A.
Other names: short protein forms Y5*.
Identifiers: ClinVar variation 486804 (VCV000486804.11), dbSNP rs1392086533, ClinGen allele CA377774768.